The following is an entry in ClinVar:

ClinVar aggregate classification (germline): Conflicting classifications of pathogenicity. Review status: criteria provided, conflicting classifications (1 of 4 stars). 7 submissions from 7 submitters: Uncertain significance (6); Likely benign (1). Last evaluated 2025-10-11.

Conditions:
Hereditary cancer-predisposing syndrome. Also called: Neoplastic Syndromes, Hereditary; Tumor predisposition; Hereditary Cancer Syndrome; Hereditary neoplastic syndrome. Identifiers: Orphanet 140162, MedGen C0027672, MeSH D009386, MONDO:0015356.
Hereditary breast ovarian cancer syndrome. Also called: Hereditary breast and ovarian cancer; Hereditary breast and ovarian cancer syndrome (HBOC); BRCA1- and BRCA2-Associated Hereditary Breast and Ovarian Cancer; Hereditary breast and ovarian cancer syndrome; Hereditary breast and/or ovarian cancer syndrome; Breast and ovarian cancer. Identifiers: Orphanet 145, MedGen C0677776, MeSH D061325, MONDO:0003582. Disease mechanism: loss of function.
Medulloblastoma (MDB). Also called: Medulloblastoma, somatic; MEDULLOBLASTOMA PREDISPOSITION SYNDROME. Identifiers: Orphanet 616, MedGen C0025149, MeSH D008527, MONDO:0007959, OMIM 155255, HP:0002885.

Submissions (7):

Ambry Genetics
Classification: Uncertain significance for Hereditary cancer-predisposing syndrome. Last evaluated: 2025-10-11. Review status: criteria provided, single submitter. Criteria: Ambry Variant Classification Scheme 2023. Collection method: clinical testing. Allele origin: germline.
Comment: The p.E1276G variant (also known as c.3827A>G), located in coding exon 10 of the BRCA2 gene, results from an A to G substitution at nucleotide position 3827. The glutamic acid at codon 1276 is replaced by glycine, an amino acid with similar properties. This amino acid position is not well conserved in available vertebrate species. In addition, this alteration is predicted to be tolerated by in silico analysis. Since supporting evidence is limited at this time, the clinical significance of this alteration remains unclear.

Labcorp Genetics (formerly Invitae), Labcorp
Classification: Uncertain significance for Hereditary breast ovarian cancer syndrome. Last evaluated: 2024-11-18. Review status: criteria provided, single submitter. Criteria: Invitae Variant Classification Sherloc (09022015). Collection method: clinical testing. Allele origin: germline.
Comment: This sequence change replaces glutamic acid, which is acidic and polar, with glycine, which is neutral and non-polar, at codon 1276 of the BRCA2 protein (p.Glu1276Gly). This variant is not present in population databases (gnomAD no frequency). This variant has not been reported in the literature in individuals affected with BRCA2-related conditions. ClinVar contains an entry for this variant (Variation ID: 640913). Invitae Evidence Modeling of protein sequence and biophysical properties (such as structural, functional, and spatial information, amino acid conservation, physicochemical variation, residue mobility, and thermodynamic stability) indicates that this missense variant is not expected to disrupt BRCA2 protein function with a negative predictive value of 95%. In summary, the available evidence is currently insufficient to determine the role of this variant in disease. Therefore, it has been classified as a Variant of Uncertain Significance.

Color Diagnostics, LLC DBA Color Health
Classification: Uncertain significance for Hereditary cancer-predisposing syndrome. Last evaluated: 2024-03-06. Review status: criteria provided, single submitter. Criteria: ACMG Guidelines, 2015. Collection method: clinical testing. Allele origin: germline.
Comment: This missense variant replaces glutamic acid with glycine at codon 1276 of the BRCA2 protein. Computational prediction is inconclusive regarding the impact of this variant on protein structure and function (internally defined REVEL score threshold 0.5 < inconclusive < 0.7, PMID: 27666373). To our knowledge, functional studies have not been reported for this variant. This variant has not been reported in individuals affected with hereditary cancer in the literature. This variant has not been identified in the general population by the Genome Aggregation Database (gnomAD). The available evidence is insufficient to determine the role of this variant in disease conclusively. Therefore, this variant is classified as a Variant of Uncertain Significance.

GeneDx
Classification: Uncertain significance. Last evaluated: 2023-06-02. Review status: criteria provided, single submitter. Criteria: GeneDx Variant Classification Process June 2021. Collection method: clinical testing. Allele origin: germline. Affected: yes.
Comment: Not observed at significant frequency in large population cohorts (gnomAD); In silico analysis supports that this missense variant has a deleterious effect on protein structure/function; Has not been previously published as pathogenic or benign to our knowledge; Also known as 4055A>G; This variant is associated with the following publications: (PMID: 29884841, 31911673, 32377563)

University of Washington Department of Laboratory Medicine, University of Washington
Classification: Likely benign for Hereditary cancer-predisposing syndrome. Last evaluated: 2023-03-23. Review status: criteria provided, single submitter. Criteria: Dines et al. (Genet Med. 2020). Collection method: curation. Allele origin: germline.
Comment: Missense variant in a coldspot region where missense variants are very unlikely to be pathogenic (PMID:31911673).

BRCA2 exon 11 coldspot. Reclassification based on statistical prior probability.

Quest Diagnostics Nichols Institute San Juan Capistrano
Classification: Uncertain significance. Last evaluated: 2023-02-02. Review status: criteria provided, single submitter. Criteria: Quest Diagnostics criteria. Collection method: clinical testing. Allele origin: unknown.
Comment: The variant has not been reported in the published literature. It also has not been reported in large, multi-ethnic general populations. Analysis of this variant using bioinformatics tools for the prediction of the effect of amino acid changes on protein structure and function yielded predictions that this variant is benign. Based on the available information, we are unable to determine the clinical significance of this variant.

Laboratory of Medical Genetics Unit, Bambino Gesù Children's Hospital
Classification: Uncertain significance for Medulloblastoma. Review status: criteria provided, single submitter. Criteria: ACMG Guidelines, 2015. Collection method: research. Allele origin: germline. Affected: yes.
Comment: The variant NM_000059.3 (BRCA2): c.3827A>G (p.Glu1276Gly) is not reported in GnomAD and in literature. It is annotated on Clinvar as vus/likely benign associated with Hereditary Cancer-predisposing Syndrome [RCV001021235] and Hereditary Breast Ovarian Cancer Syndrome [RCV000794044]. It is classified as VUS variant following the ACMG criteria (PM2 and BP4).

NM_000059.4(BRCA2):c.3827A>G (p.Glu1276Gly)

Gene: BRCA2 (BRCA2 DNA repair associated; plus strand). Cytogenetic location: 13q13.1.
Variant type: single nucleotide variant.
Coding change: c.3827A>G on transcript NM_000059.4 (MANE Select); coding-DNA position 3827, A replaced by G.
Protein change: p.Glu1276Gly; replaces glutamic acid 1276 with glycine.
Molecular consequence: missense variant.
Genome position (GRCh38, 1-based): chr13:32,338,182, A>G. VCF-style: chr13-32338182-A-G. GRCh37 (hg19) VCF-style: chr13-32912319-A-G.
Other names: short protein forms E1276G.
Identifiers: ClinVar variation 640913 (VCV000640913.27), dbSNP rs1060502487, ClinGen allele CA387778517.
Genomic context (GRCh38, chr13:32,338,182, plus strand): 5'-ATCCAATAAGTTTATCTTCAAGTAAATGTCATGATTCTGTTGTTTCAATGTTTAAGATAG[A>G]AAATCATAATGATAAAACTGTAAGTGAAAAAAATAATAAATGCCAACTGATATTACAAAA-3'
Protein context (NP_000050.3, residues 1266-1286): HDSVVSMFKI[Glu1276Gly]NHNDKTVSEK